The following is an entry in ClinVar:

NM_024675.4(PALB2):c.3469C>G (p.Gln1157Glu)

Gene: PALB2 (partner and localizer of BRCA2; minus strand). Cytogenetic location: 16p12.2.
Variant type: single nucleotide variant.
Coding change: c.3469C>G on transcript NM_024675.4 (MANE Select); coding-DNA position 3469, C replaced by G.
Protein change: p.Gln1157Glu; replaces glutamine 1157 with glutamic acid.
Molecular consequence: missense variant.
Genome position (GRCh38, 1-based): chr16:23,603,551, G>C on the plus strand (C>G on the coding strand, the complement: PALB2 is on the minus strand). VCF-style: chr16-23603551-G-C. GRCh37 (hg19) VCF-style: chr16-23614872-G-C.
Other names: short protein forms Q1157E.
Identifiers: ClinVar variation 839370 (VCV000839370.10), dbSNP rs1597062038, ClinGen allele CA395138029.

ClinVar aggregate classification (germline): Uncertain significance (1 of 4 stars; one submission).

Conditions:
Familial cancer of breast. Also called: Hereditary breast cancer; hereditary breast carcinoma; BREAST CANCER, FAMILIAL. Identifiers: Orphanet 227535, MedGen C0346153, MONDO:0016419, OMIM 114480. Disease mechanism: loss of function.

Submission:

Labcorp Genetics (formerly Invitae), Labcorp
Classification: Uncertain significance for Familial cancer of breast. Last evaluated: 2019-12-08. Review status: criteria provided, single submitter. Criteria: Invitae Variant Classification Sherloc (09022015). Collection method: clinical testing. Allele origin: germline.
Comment: In summary, the available evidence is currently insufficient to determine the role of this variant in disease. Therefore, it has been classified as a Variant of Uncertain Significance. Algorithms developed to predict the effect of missense changes on protein structure and function (SIFT, PolyPhen-2, Align-GVGD) all suggest that this variant is likely to be tolerated, but these predictions have not been confirmed by published functional studies and their clinical significance is uncertain. This variant has not been reported in the literature in individuals with PALB2-related conditions. This variant is not present in population databases (ExAC no frequency). This sequence change replaces glutamine with glutamic acid at codon 1157 of the PALB2 protein (p.Gln1157Glu). The glutamine residue is moderately conserved and there is a small physicochemical difference between glutamine and glutamic acid.